The following is an entry in ClinVar:

NM_000304.4(PMP22):c.96_102dup (p.Ala35fs)

Gene: PMP22 (peripheral myelin protein 22; minus strand). Cytogenetic location: 17p12.
Variant type: Duplication.
Coding change: c.96_102dup on transcript NM_000304.4 (MANE Select); coding-DNA positions 96 to 102, 7 bases duplicated (TGGACAC; older notation c.96_102dupTGGACAC).
Protein change: p.Ala35fs; shifts the reading frame from alanine 35.
Molecular consequence: frameshift variant. On other transcripts: non-coding transcript variant (1).
Genome position (GRCh38, 1-based): chr17:15,259,170-15,259,176, GTGTCCA duplicated on the plus strand (TGGACAC on the coding strand, the reverse complement: PMP22 is on the minus strand). VCF-style (leftmost placement, unchanged base first): chr17-15259169-C-CGTGTCCA. GRCh37 (hg19) VCF-style: chr17-15162486-C-CGTGTCCA.
Other names: c.96_102dup, p.Ala35fs (NM_001281455.2, NM_001281456.2, NM_001330143.2 and 2 more transcripts); short protein forms A35fs.
Identifiers: ClinVar variation 3776239 (VCV003776239.1).

ClinVar aggregate classification (germline): Likely pathogenic (1 of 4 stars; one submission).

Conditions:
Charcot-Marie-Tooth disease type 1E. Also called: Charcot-Marie-Tooth disease and deafness; Charcot-Marie-Tooth Neuropathy Type 1E; CHARCOT-MARIE-TOOTH DISEASE, DEMYELINATING, TYPE 1E; CHARCOT-MARIE-TOOTH NEUROPATHY AND DEAFNESS, AUTOSOMAL DOMINANT. Identifiers: Orphanet 90658, MedGen C3495591, MONDO:0007311, OMIM 118300.
Charcot-Marie-Tooth disease, type IA (CMT1A). Also called: HEREDITARY MOTOR AND SENSORY NEUROPATHY IA; Charcot-Marie-Tooth disease type 1A; CMT 1A; Hereditary motor and sensory neuropathy 1A; HMSN 1A; CHARCOT-MARIE-TOOTH DISEASE, DEMYELINATING, TYPE 1A. Identifiers: Orphanet 101081, MedGen C0270911, MONDO:0007309, OMIM 118220.
Dejerine-Sottas disease. Also called: HEREDITARY MOTOR AND SENSORY NEUROPATHY TYPE III; DEJERINE-SOTTAS NEUROPATHY; HMSN Type III; Hereditary motor and sensory neuropathy 3; Charcot-Marie-Tooth disease type 3. Identifiers: Orphanet 64748, MedGen C0011195, MONDO:0007790, OMIM 145900.

Submission:

3billion
Classification: Likely pathogenic for Charcot-Marie-Tooth disease, type IA; Charcot-Marie-Tooth disease type 1E; Dejerine-Sottas disease. Last evaluated: 2024-02-27. Review status: criteria provided, single submitter. Criteria: ACMG Guidelines, 2015. Collection method: clinical testing. Allele origin: germline. Affected: yes.
Comment: The variant is not observed in the gnomAD v2.1.1 dataset. Predicted Consequence/Location: Frameshift: predicted to result in a loss or disruption of normal protein function through nonsense-mediated decay (NMD) or protein truncation. Multiple pathogenic variants are reported downstream of the variant. Therefore, this variant is classified as Likely pathogenic according to the recommendation of ACMG/AMP guideline.